The following is an entry in ClinVar:

ClinVar aggregate classification (germline): Benign. Review status: criteria provided, multiple submitters, no conflicts (2 of 4 stars). 3 submissions from 3 submitters: Benign (3). Last evaluated 2024-07-15.

Conditions:
Pyridoxine-dependent epilepsy (EPEO4). Also called: PYRIDOXINE DEPENDENCY WITH SEIZURES; EPILEPSY, EARLY-ONSET, 4, VITAMIN B6-DEPENDENT; Pyridoxine-Dependent Seizures; Pyridoxine-Dependent Epilepsy - ALDH7A1. Identifiers: Orphanet 3006, MedGen C1849508, MONDO:0009945, OMIM 266100. Disease mechanism: loss of function.

Allele frequency attached by ClinVar (database versions not stated): 1000 Genomes Project 30x 0.70581; ExAC 0.70777; ESP Exome Variant Server 0.71759; gnomAD exomes 0.71415 and 0.72086; 1000 Genomes Project 0.70308; TOPMed 0.72002.
gnomAD v4.1: 1,070,515 of 1,488,570 alleles (72%); highest among the groups gnomAD compares: Admixed American, 81%; 387,182 homozygotes.

Submissions (3):

Unidad de Genómica Garrahan, Hospital de Pediatría Garrahan
Classification: Benign. Last evaluated: 2024-07-15. Review status: criteria provided, single submitter. Criteria: ACMG Guidelines, 2015. Collection method: clinical testing. Allele origin: germline. Affected: no. Observed: 81 variant alleles.
Comment: This variant is classified as Benign based on local population frequency. This variant was detected in 87% of patients studied in a panel designed for Epileptic and Developmental Encephalopathy and Progressive Myoclonus Epilepsy. Number of patients: 81. Only high quality variants are reported.

Genome-Nilou Lab
Classification: Benign for Pyridoxine-dependent epilepsy. Last evaluated: 2021-07-14. Review status: criteria provided, single submitter. Criteria: ACMG Guidelines, 2015. Collection method: clinical testing. Allele origin: germline. Affected: no.

GeneDx
Classification: Benign. Last evaluated: 2018-06-23. Review status: criteria provided, single submitter. Criteria: GeneDx Variant Classification Process June 2021. Collection method: clinical testing. Allele origin: germline. Affected: yes.

NM_001182.5(ALDH7A1):c.1317+28G>A

Gene: ALDH7A1 (aldehyde dehydrogenase 7 family member A1; minus strand). Cytogenetic location: 5q23.2.
Variant type: single nucleotide variant.
Coding change: c.1317+28G>A on transcript NM_001182.5 (MANE Select); 28 bases into the intron after coding-DNA position 1317, G replaced by A.
Molecular consequence: intron variant.
Genome position (GRCh38, 1-based): chr5:126,551,993, C>T on the plus strand (G>A on the coding strand, the complement: ALDH7A1 is on the minus strand). VCF-style: chr5-126551993-C-T. GRCh37 (hg19) VCF-style: chr5-125887685-C-T.
Other names: c.1125+28G>A (NM_001202404.2); c.1233+28G>A (NM_001201377.2).
Identifiers: ClinVar variation 1188913 (VCV001188913.6), dbSNP rs2306617, ClinGen allele CA3389457.
Genomic context (GRCh38, chr5:126,551,993, plus strand): 5'-AAGGTTCATCCAGTGAAATTTAATCCACCATCATTTTCCTCTTATCATTTATTTCAACAT[C>T]AGGCTAGCGAACAGAATGCATTTTTACCTTGAATTTAAAGACATAGAGAATCGGAGCAAA-3'